The following is an entry in ClinVar:

NM_001039591.3(USP9X):c.1957G>T (p.Glu653Ter)

Gene: USP9X (ubiquitin specific peptidase 9 X-linked; plus strand). Cytogenetic location: Xp11.4.
Variant type: single nucleotide variant.
Coding change: c.1957G>T on transcript NM_001039591.3 (MANE Select); coding-DNA position 1957, G replaced by T.
Protein change: p.Glu653Ter; replaces glutamic acid 653 with a stop codon.
Molecular consequence: nonsense.
Genome position (GRCh38, 1-based): chrX:41,162,849, G>T. VCF-style: chrX-41162849-G-T. GRCh37 (hg19) VCF-style: chrX-41022102-G-T.
Other names: c.1957G>T, p.Glu653Ter (NM_001039590.3); c.1972G>T, p.Glu658Ter (NM_001410748.1, NM_001410749.1); short protein forms E658*, E653*.
Identifiers: ClinVar variation 2293406 (VCV002293406.2), dbSNP rs2519204556, ClinGen allele CA412750737.

ClinVar aggregate classification (germline): Pathogenic (1 of 4 stars; one submission).

Conditions:
Inborn genetic diseases. Identifiers: MedGen C0950123, MeSH D030342.

Submission:

Ambry Genetics
Classification: Pathogenic for Inborn genetic diseases. Last evaluated: 2022-06-13. Review status: criteria provided, single submitter. Criteria: Ambry Variant Classification Scheme 2023. Collection method: clinical testing. Allele origin: germline.
Comment: The c.1957G>T (p.E653*) alteration, located in exon 15 (coding exon 14) of the USP9X gene, consists of a G to T substitution at nucleotide position 1957. This changes the amino acid from a glutamic acid (E) to a stop codon at amino acid position 653. This alteration is expected to result in loss of function by premature protein truncation or nonsense-mediated mRNA decay. This variant was not reported in population-based cohorts in the Genome Aggregation Database (gnomAD). Based on the available evidence, this alteration is classified as pathogenic.